The following is an entry in ClinVar:

ClinVar aggregate classification (germline): Uncertain significance (1 of 4 stars; one submission).

Conditions:
Catecholaminergic polymorphic ventricular tachycardia 1. Also called: VENTRICULAR TACHYCARDIA, CATECHOLAMINERGIC POLYMORPHIC, 1, WITH OR WITHOUT ATRIAL DYSFUNCTION AND/OR DILATED CARDIOMYOPATHY; VENTRICULAR TACHYCARDIA, STRESS-INDUCED POLYMORPHIC 1; RYR2-Related Catecholaminergic Polymorphic Ventricular Tachycardia. Identifiers: Orphanet 3286, MedGen C1631597, MONDO:0011484, OMIM 604772.

gnomAD v4.1: 1 of 1,612,338 alleles (0.000062%); highest among the groups gnomAD compares: Non-Finnish European, 0.000085%; no homozygotes.

Submission:

Labcorp Genetics (formerly Invitae), Labcorp
Classification: Uncertain significance for Catecholaminergic polymorphic ventricular tachycardia 1. Last evaluated: 2025-01-27. Review status: criteria provided, single submitter. Criteria: Invitae Variant Classification Sherloc (09022015). Collection method: clinical testing. Allele origin: germline.
Comment: This sequence change replaces proline, which is neutral and non-polar, with alanine, which is neutral and non-polar, at codon 1583 of the RYR2 protein (p.Pro1583Ala). This variant is not present in population databases (gnomAD no frequency). This missense change has been observed in individual(s) with arrhythmogenic cardiomyopathy (internal data). Invitae Evidence Modeling of protein sequence and biophysical properties (such as structural, functional, and spatial information, amino acid conservation, physicochemical variation, residue mobility, and thermodynamic stability) indicates that this missense variant is expected to disrupt RYR2 protein function with a positive predictive value of 95%. In summary, the available evidence is currently insufficient to determine the role of this variant in disease. Therefore, it has been classified as a Variant of Uncertain Significance.

NM_001035.3(RYR2):c.4747C>G (p.Pro1583Ala)

Gene: RYR2 (ryanodine receptor 2; plus strand). Cytogenetic location: 1q43.
Variant type: single nucleotide variant.
Coding change: c.4747C>G on transcript NM_001035.3 (MANE Select); coding-DNA position 4747, C replaced by G.
Protein change: p.Pro1583Ala; replaces proline 1583 with alanine.
Molecular consequence: missense variant.
Genome position (GRCh38, 1-based): chr1:237,610,825, C>G. VCF-style: chr1-237610825-C-G. GRCh37 (hg19) VCF-style: chr1-237774125-C-G.
Other names: short protein forms P1583A.
Identifiers: ClinVar variation 3669584 (VCV003669584.2).